The following is an entry in ClinVar:

ClinVar aggregate classification (germline): Conflicting classifications of pathogenicity. Review status: criteria provided, conflicting classifications (1 of 4 stars). 3 submissions from 3 submitters: Uncertain significance (1); Likely benign (2). Last evaluated 2024-05-10.

Conditions:
Thrombophilia due to protein C deficiency, autosomal dominant. Also called: PROC DEFICIENCY, AUTOSOMAL DOMINANT; PROTEIN C DEFICIENCY, AUTOSOMAL DOMINANT. Identifiers: Orphanet 745, MedGen C2674321, MONDO:0008316, OMIM 176860. Disease mechanism: loss of function.

Allele frequency attached by ClinVar (database versions not stated): gnomAD exomes 0.00004; ExAC 0.00005; TOPMed 0.00006; gnomAD 0.00007 and 0.00008.

Submissions (3):

Labcorp Genetics (formerly Invitae), Labcorp
Classification: Likely benign for Thrombophilia due to protein C deficiency, autosomal dominant. Last evaluated: 2024-05-10. Review status: criteria provided, single submitter. Criteria: Invitae Variant Classification Sherloc (09022015). Collection method: clinical testing. Allele origin: germline.

Phosphorus, Inc.
Classification: Likely benign. Last evaluated: 2022-01-14. Review status: criteria provided, single submitter. Criteria: ACMG Guidelines, 2015. Collection method: clinical testing. Allele origin: germline. Inheritance: Autosomal dominant inheritance.
Comment: This variant is located 10bp away from the canonical splice-site in intron 7 of the PROC gene (transcript: NM_000312.3). This variant has an entry in ClinVar (331108) NM_000312.4(PROC):c.678+10G>A. This variant occurred in gnomAD with a total MAF of 0.0041% and the highest MAF of 0.0327% in the African population. This position is not conserved. In silico splicing algorithms predicted that this variant will not have an impact on splicing (not found in scSNV). The variant has not occurred in the literature in association with disease. Considering the evidence above, it has been classified as Likely Benign.

Illumina Laboratory Services, Illumina
Classification: Uncertain significance for Thrombophilia due to protein C deficiency, autosomal dominant. Last evaluated: 2018-01-12. Review status: criteria provided, single submitter. Criteria: ICSL Variant Classification Criteria 13 December 2019. Collection method: clinical testing. Allele origin: germline.

NM_000312.4(PROC):c.678+10G>A

Gene: PROC (protein C, inactivator of coagulation factors Va and VIIIa; plus strand). Cytogenetic location: 2q14.3.
Variant type: single nucleotide variant.
Coding change: c.678+10G>A on transcript NM_000312.4 (MANE Select); 10 bases into the intron after coding-DNA position 678, G replaced by A.
Molecular consequence: intron variant.
Genome position (GRCh38, 1-based): chr2:127,426,237, G>A. VCF-style: chr2-127426237-G-A. GRCh37 (hg19) VCF-style: chr2-128183813-G-A.
Other names: c.678+10G>A (NM_001375611.1, NM_001375613.1); c.861+10G>A (NM_001375602.1); c.864+10G>A (NM_001375607.1); c.780+10G>A (NM_001375605.1); c.621+10G>A (NM_001375608.1); c.672+10G>A (NM_001375610.1); c.846+10G>A (NM_001375606.1); c.843+10G>A (NM_001375603.1); and 2 more.
Identifiers: ClinVar variation 331108 (VCV000331108.15), dbSNP rs776905824, ClinGen allele CA1859407.